The following is an entry in ClinVar:

ClinVar aggregate classification (germline): Conflicting classifications of pathogenicity. Review status: criteria provided, conflicting classifications (1 of 4 stars). 3 submissions from 3 submitters: Likely pathogenic (1); Uncertain significance (1). 1 of the submissions does not count toward it. Last evaluated 2025-08-10.

Conditions:
PKHD1-related disorder. Also called: PKHD1-related condition.
Polycystic kidney disease 4 (PKD4). Also called: POLYCYSTIC KIDNEY AND HEPATIC DISEASE 1; POLYCYSTIC KIDNEY DISEASE, INFANTILE, TYPE I; Autosomal Recessive Polycystic Kidney Disease – PKHD1; POLYCYSTIC KIDNEY DISEASE 4 WITH OR WITHOUT POLYCYSTIC LIVER DISEASE; PKD3. Identifiers: MedGen C4540575, MONDO:0033004, OMIM 263200.

gnomAD v4.1: 6 of 1,614,022 alleles (0.00037%); highest among the groups gnomAD compares: Non-Finnish European, 0.00051%; no homozygotes.

Submissions (3):

GeneDx
Classification: Uncertain significance. Last evaluated: 2025-08-10. Review status: criteria provided, single submitter. Criteria: GeneDx Variant Classification Process June 2021. Collection method: clinical testing. Allele origin: germline. Affected: yes.
Comment: Not observed at significant frequency in large population cohorts (gnomAD); In silico analysis supports that this missense variant has a deleterious effect on protein structure/function; Has not been previously published as pathogenic or benign to our knowledge

Fulgent Genetics
Classification: Likely pathogenic for Polycystic kidney disease 4. Last evaluated: 2024-05-14. Review status: criteria provided, single submitter. Criteria: ACMG Guidelines, 2015. Collection method: clinical testing. Allele origin: germline.

PreventionGenetics, part of Exact Sciences
Classification: Uncertain significance for PKHD1-related condition. Last evaluated: 2024-05-14. Review status: no assertion criteria provided. Collection method: clinical testing. Allele origin: germline. Not counted in ClinVar's aggregate classification.
Comment: The PKHD1 c.5359T>C variant is predicted to result in the amino acid substitution p.Cys1787Arg. To our knowledge, this variant has not been reported in the literature. Of note, a different substitution at the same codon (p.Cys1787Phe) has been reported in a patient with autosomal recessive polycystic kidney disease (ARPKD), but the second plausibly pathogenic variant was not found (Bergmann et al. 2005. PubMed ID: 15698423). The c.5359T>C (p.Cys1787Arg) variant is reported in 0.0023% of alleles in individuals of European (Non-Finnish) descent in gnomAD. At this time, the clinical significance of this variant is uncertain due to the absence of conclusive functional and genetic evidence.

NM_138694.4(PKHD1):c.5359T>C (p.Cys1787Arg)

Gene: PKHD1 (PKHD1 ciliary IPT domain containing fibrocystin/polyductin; minus strand). Cytogenetic location: 6p12.2.
Variant type: single nucleotide variant.
Coding change: c.5359T>C on transcript NM_138694.4 (MANE Select); coding-DNA position 5359, T replaced by C.
Protein change: p.Cys1787Arg; replaces cysteine 1787 with arginine.
Molecular consequence: missense variant.
Genome position (GRCh38, 1-based): chr6:52,022,822, A>G on the plus strand (T>C on the coding strand, the complement: PKHD1 is on the minus strand). VCF-style: chr6-52022822-A-G. GRCh37 (hg19) VCF-style: chr6-51887620-A-G.
Other names: c.5359T>C, p.Cys1787Arg (NM_170724.3); short protein forms C1787R.
Identifiers: ClinVar variation 3352670 (VCV003352670.3).